The following is an entry in ClinVar:

NM_032271.3(TRAF7):c.792C>T (p.Tyr264=)

Gene: TRAF7 (TNF receptor associated factor 7; plus strand). Cytogenetic location: 16p13.3.
Variant type: single nucleotide variant.
Coding change: c.792C>T on transcript NM_032271.3 (MANE Select); coding-DNA position 792, C replaced by T.
Protein change: p.Tyr264=; no amino-acid change (tyrosine 264 retained).
Molecular consequence: synonymous variant.
Genome position (GRCh38, 1-based): chr16:2,172,597, C>T. VCF-style: chr16-2172597-C-T. GRCh37 (hg19) VCF-style: chr16-2222598-C-T.
Other names: NC_000016.9:g.2222598C>T.
Identifiers: ClinVar variation 774920 (VCV000774920.8), dbSNP rs187643207, ClinGen allele CA7834707.

ClinVar aggregate classification (germline): Benign. Review status: criteria provided, multiple submitters, no conflicts (2 of 4 stars). 3 submissions from 3 submitters: Benign (2). 1 of the submissions does not count toward it. Last evaluated 2019-12-31.

Conditions:
TRAF7-related disorder. Also called: TRAF7-related condition.

Allele frequency attached by ClinVar (database versions not stated): 1000 Genomes Project 30x 0.00593; 1000 Genomes Project 0.00599; ExAC 0.00806; gnomAD exomes 0.01445 and 0.04602; TOPMed 0.01580; ESP Exome Variant Server 0.01733; gnomAD 0.01762 and 0.01763.
gnomAD v4.1: 36,586 of 889,448 alleles (4.1%); highest among the groups gnomAD compares: Non-Finnish European, 5.5%; 525 homozygotes.

Submissions 1 to 32 of 44:

Labcorp Genetics (formerly Invitae), Labcorp
Classification: Benign. Last evaluated: 2019-12-31. Review status: criteria provided, single submitter. Criteria: Invitae Variant Classification Sherloc (09022015). Collection method: clinical testing. Allele origin: germline.

Breakthrough Genomics
Classification: Benign. Review status: criteria provided, single submitter. Criteria: ACMG Guidelines, 2015. Collection method: not provided. Allele origin: germline. Inheritance: Autosomal dominant inheritance. Affected: yes.

PreventionGenetics, part of Exact Sciences
Classification: Benign for TRAF7-related condition. Last evaluated: 2019-10-25. Review status: no assertion criteria provided. Collection method: clinical testing. Allele origin: germline. Not counted in ClinVar's aggregate classification.
Comment: This variant is classified as benign based on ACMG/AMP sequence variant interpretation guidelines (Richards et al. 2015 PMID: 25741868, with internal and published modifications).

Dr. Peter K. Rogan Lab, Western University
No classification provided (evidence only). Condition: Clear cell carcinoma of kidney. Review status: no classification provided. Collection method: in vitro. Allele origin: not applicable. Functional consequence: retained intron. Not counted in ClinVar's aggregate classification.

Dr. Peter K. Rogan Lab, Western University
No classification provided (evidence only). Condition: Clear cell carcinoma of kidney. Review status: no classification provided. Collection method: in vitro. Allele origin: not applicable. Functional consequence: retained intron. Not counted in ClinVar's aggregate classification.

Dr. Peter K. Rogan Lab, Western University
No classification provided (evidence only). Condition: Lung cancer. Review status: no classification provided. Collection method: in vitro. Allele origin: not applicable. Functional consequence: retained intron. Not counted in ClinVar's aggregate classification.

Dr. Peter K. Rogan Lab, Western University
No classification provided (evidence only). Condition: Lung cancer. Review status: no classification provided. Collection method: in vitro. Allele origin: not applicable. Functional consequence: retained intron. Not counted in ClinVar's aggregate classification.

Dr. Peter K. Rogan Lab, Western University
No classification provided (evidence only). Condition: Colon adenocarcinoma. Review status: no classification provided. Collection method: in vitro. Allele origin: not applicable. Functional consequence: retained intron. Not counted in ClinVar's aggregate classification.

Dr. Peter K. Rogan Lab, Western University
No classification provided (evidence only). Condition: Colon adenocarcinoma. Review status: no classification provided. Collection method: in vitro. Allele origin: not applicable. Functional consequence: retained intron. Not counted in ClinVar's aggregate classification.

Dr. Peter K. Rogan Lab, Western University
No classification provided (evidence only). Condition: Glioma susceptibility 1. Review status: no classification provided. Collection method: in vitro. Allele origin: not applicable. Functional consequence: retained intron. Not counted in ClinVar's aggregate classification.

Dr. Peter K. Rogan Lab, Western University
No classification provided (evidence only). Condition: Cervical cancer. Review status: no classification provided. Collection method: in vitro. Allele origin: not applicable. Functional consequence: retained intron. Not counted in ClinVar's aggregate classification.

Dr. Peter K. Rogan Lab, Western University
No classification provided (evidence only). Condition: Cervical cancer. Review status: no classification provided. Collection method: in vitro. Allele origin: not applicable. Functional consequence: retained intron. Not counted in ClinVar's aggregate classification.

Dr. Peter K. Rogan Lab, Western University
No classification provided (evidence only). Condition: Cervical cancer. Review status: no classification provided. Collection method: in vitro. Allele origin: not applicable. Functional consequence: retained intron. Not counted in ClinVar's aggregate classification.

Dr. Peter K. Rogan Lab, Western University
No classification provided (evidence only). Condition: Sarcoma. Review status: no classification provided. Collection method: in vitro. Allele origin: not applicable. Functional consequence: retained intron. Not counted in ClinVar's aggregate classification.

Dr. Peter K. Rogan Lab, Western University
No classification provided (evidence only). Condition: Sarcoma. Review status: no classification provided. Collection method: in vitro. Allele origin: not applicable. Functional consequence: retained intron. Not counted in ClinVar's aggregate classification.

Dr. Peter K. Rogan Lab, Western University
No classification provided (evidence only). Condition: Sarcoma. Review status: no classification provided. Collection method: in vitro. Allele origin: not applicable. Functional consequence: retained intron. Not counted in ClinVar's aggregate classification.

Dr. Peter K. Rogan Lab, Western University
No classification provided (evidence only). Condition: Sarcoma. Review status: no classification provided. Collection method: in vitro. Allele origin: not applicable. Functional consequence: retained intron. Not counted in ClinVar's aggregate classification.

Dr. Peter K. Rogan Lab, Western University
No classification provided (evidence only). Condition: Sarcoma. Review status: no classification provided. Collection method: in vitro. Allele origin: not applicable. Functional consequence: retained intron. Not counted in ClinVar's aggregate classification.

Dr. Peter K. Rogan Lab, Western University
No classification provided (evidence only). Condition: Sarcoma. Review status: no classification provided. Collection method: in vitro. Allele origin: not applicable. Functional consequence: retained intron. Not counted in ClinVar's aggregate classification.

Dr. Peter K. Rogan Lab, Western University
No classification provided (evidence only). Condition: Hepatocellular carcinoma. Review status: no classification provided. Collection method: in vitro. Allele origin: not applicable. Functional consequence: retained intron. Not counted in ClinVar's aggregate classification.

Dr. Peter K. Rogan Lab, Western University
No classification provided (evidence only). Condition: Ovarian serous cystadenocarcinoma. Review status: no classification provided. Collection method: in vitro. Allele origin: not applicable. Functional consequence: retained intron. Not counted in ClinVar's aggregate classification.

Dr. Peter K. Rogan Lab, Western University
No classification provided (evidence only). Condition: Ovarian serous cystadenocarcinoma. Review status: no classification provided. Collection method: in vitro. Allele origin: not applicable. Functional consequence: retained intron. Not counted in ClinVar's aggregate classification.

Dr. Peter K. Rogan Lab, Western University
No classification provided (evidence only). Condition: Ovarian serous cystadenocarcinoma. Review status: no classification provided. Collection method: in vitro. Allele origin: not applicable. Functional consequence: retained intron. Not counted in ClinVar's aggregate classification.

Dr. Peter K. Rogan Lab, Western University
No classification provided (evidence only). Condition: Ovarian serous cystadenocarcinoma. Review status: no classification provided. Collection method: in vitro. Allele origin: not applicable. Functional consequence: retained intron. Not counted in ClinVar's aggregate classification.

Dr. Peter K. Rogan Lab, Western University
No classification provided (evidence only). Condition: Ovarian serous cystadenocarcinoma. Review status: no classification provided. Collection method: in vitro. Allele origin: not applicable. Functional consequence: retained intron. Not counted in ClinVar's aggregate classification.

Dr. Peter K. Rogan Lab, Western University
No classification provided (evidence only). Condition: Ovarian serous cystadenocarcinoma. Review status: no classification provided. Collection method: in vitro. Allele origin: not applicable. Functional consequence: retained intron. Not counted in ClinVar's aggregate classification.

Dr. Peter K. Rogan Lab, Western University
No classification provided (evidence only). Condition: Ovarian serous cystadenocarcinoma. Review status: no classification provided. Collection method: in vitro. Allele origin: not applicable. Functional consequence: retained intron. Not counted in ClinVar's aggregate classification.

Dr. Peter K. Rogan Lab, Western University
No classification provided (evidence only). Condition: Ovarian serous cystadenocarcinoma. Review status: no classification provided. Collection method: in vitro. Allele origin: not applicable. Functional consequence: retained intron. Not counted in ClinVar's aggregate classification.

Dr. Peter K. Rogan Lab, Western University
No classification provided (evidence only). Condition: Ovarian serous cystadenocarcinoma. Review status: no classification provided. Collection method: in vitro. Allele origin: not applicable. Functional consequence: retained intron. Not counted in ClinVar's aggregate classification.

Dr. Peter K. Rogan Lab, Western University
No classification provided (evidence only). Condition: Ovarian serous cystadenocarcinoma. Review status: no classification provided. Collection method: in vitro. Allele origin: not applicable. Functional consequence: retained intron. Not counted in ClinVar's aggregate classification.

Dr. Peter K. Rogan Lab, Western University
No classification provided (evidence only). Condition: Ovarian serous cystadenocarcinoma. Review status: no classification provided. Collection method: in vitro. Allele origin: not applicable. Functional consequence: retained intron. Not counted in ClinVar's aggregate classification.

Dr. Peter K. Rogan Lab, Western University
No classification provided (evidence only). Condition: Ovarian serous cystadenocarcinoma. Review status: no classification provided. Collection method: in vitro. Allele origin: not applicable. Functional consequence: retained intron. Not counted in ClinVar's aggregate classification.